The following is an entry in ClinVar:

NM_000059.4(BRCA2):c.7519C>G (p.Pro2507Ala)

Gene: BRCA2 (BRCA2 DNA repair associated; plus strand). Cytogenetic location: 13q13.1.
Variant type: single nucleotide variant.
Coding change: c.7519C>G on transcript NM_000059.4 (MANE Select); coding-DNA position 7519, C replaced by G.
Protein change: p.Pro2507Ala; replaces proline 2507 with alanine.
Molecular consequence: missense variant.
Genome position (GRCh38, 1-based): chr13:32,356,511, C>G. VCF-style: chr13-32356511-C-G. GRCh37 (hg19) VCF-style: chr13-32930648-C-G.
Other names: short protein forms P2507A.
Identifiers: ClinVar variation 230732 (VCV000230732.5), dbSNP rs876658734, ClinGen allele CA10579743.
Genomic context (GRCh38, chr13:32,356,511, plus strand): 5'-GCCAGAGATATACAGGATATGCGAATTAAGAAGAAACAAAGGCAACGCGTCTTTCCACAG[C>G]CAGGCAGTCTGTATCTTGCAAAAACATCCACTCTGCCTCGAATCTCTCTGAAAGCAGCAG-3'
Protein context (NP_000050.3, residues 2497-2517): KKQRQRVFPQ[Pro2507Ala]GSLYLAKTST

ClinVar aggregate classification (germline): Uncertain significance (1 of 4 stars; one submission).

Conditions:
Hereditary cancer-predisposing syndrome. Also called: Neoplastic Syndromes, Hereditary; Tumor predisposition; Hereditary Cancer Syndrome; Hereditary neoplastic syndrome. Identifiers: Orphanet 140162, MedGen C0027672, MeSH D009386, MONDO:0015356.

Submission:

Ambry Genetics
Classification: Uncertain significance for Hereditary cancer-predisposing syndrome. Last evaluated: 2015-03-03. Review status: criteria provided, single submitter. Criteria: Ambry Variant Classification Scheme 2023. Collection method: clinical testing. Allele origin: germline.
Comment: The p.P2507A variant (also known as c.7519C>G and 7747C>G), located in coding exon 14 of the BRCA2 gene, results from a C to G substitution at nucleotide position 7519. The proline at codon 2507 is replaced by alanine, an amino acid with highly similar properties. This variant was not reported in population based cohorts in the following databases: Database of Single Nucleotide Polymorphisms (dbSNP), NHLBI Exome Sequencing Project (ESP), and 1000 Genomes Project. In the ESP, this variant was not observed in 6503 samples (13006 alleles) with coverage at this position. To date, this alteration has been detected with an allele frequency of approximately 0.001% (greater than 105,000 alleles tested) in our clinical cohort. This amino acid position is well conserved in available vertebrate species. In addition, this alteration is predicted to be possibly damaging and tolerated by PolyPhen and SIFT in silico analyses, respectively. Since supporting evidence is limited at this time, the clinical significance of p.P2507A remains unclear.